The following is an entry in ClinVar:

NM_020433.5(JPH2):c.1597C>G (p.Arg533Gly)

Gene: JPH2 (junctophilin 2; minus strand). Cytogenetic location: 20q13.12.
Variant type: single nucleotide variant.
Coding change: c.1597C>G on transcript NM_020433.5 (MANE Select); coding-DNA position 1597, C replaced by G.
Protein change: p.Arg533Gly; replaces arginine 533 with glycine.
Molecular consequence: missense variant.
Genome position (GRCh38, 1-based): chr20:44,116,078, G>C on the plus strand (C>G on the coding strand, the complement: JPH2 is on the minus strand). VCF-style: chr20-44116078-G-C. GRCh37 (hg19) VCF-style: chr20-42744718-G-C.
Other names: short protein forms R533G.
Identifiers: ClinVar variation 3862296 (VCV003862296.1).

ClinVar aggregate classification (germline): Uncertain significance (1 of 4 stars; one submission).

Conditions:
Cardiovascular phenotype. Identifiers: MedGen CN230736.

Submission:

Ambry Genetics
Classification: Uncertain significance for Cardiovascular phenotype. Last evaluated: 2025-01-28. Review status: criteria provided, single submitter. Criteria: Ambry Variant Classification Scheme 2023. Collection method: clinical testing. Allele origin: germline.
Comment: The p.R533G variant (also known as c.1597C>G), located in coding exon 4 of the JPH2 gene, results from a C to G substitution at nucleotide position 1597. The arginine at codon 533 is replaced by glycine, an amino acid with dissimilar properties. This amino acid position is conserved. In addition, this alteration is predicted to be tolerated by in silico analysis. Based on the available evidence, the clinical significance of this variant remains unclear.